The following is an entry in ClinVar:

ClinVar aggregate classification (germline): Pathogenic (1 of 4 stars; one submission).

Allele frequency attached by ClinVar (database versions not stated): TOPMed below 0.00001; gnomAD 0.00001; gnomAD exomes 0.00001.
gnomAD v4.1: 13 of 1,614,108 alleles (0.00081%); highest among the groups gnomAD compares: Non-Finnish European, 0.001%; no homozygotes.

Submission:

Labcorp Genetics (formerly Invitae), Labcorp
Classification: Pathogenic. Last evaluated: 2023-05-16. Review status: criteria provided, single submitter. Criteria: Invitae Variant Classification Sherloc (09022015). Collection method: clinical testing. Allele origin: germline.
Comment: For these reasons, this variant has been classified as Pathogenic. This premature translational stop signal has been observed in individual(s) with SOPH syndrome (PMID: 31015584). In at least one individual the data is consistent with being in trans (on the opposite chromosome) from a pathogenic variant. This variant is present in population databases (no rsID available, gnomAD 0.007%). This sequence change creates a premature translational stop signal (p.Trp135*) in the NBAS gene. It is expected to result in an absent or disrupted protein product. Loss-of-function variants in NBAS are known to be pathogenic (PMID: 26073778, 26541327, 27789416, 28031453).

Literature cited by the submitters: PubMed 31015584; PubMed 26073778; PubMed 26541327; PubMed 27789416; PubMed 28031453.

NM_015909.4(NBAS):c.404G>A (p.Trp135Ter)

Gene: NBAS (NBAS subunit of NRZ tethering complex; minus strand). Cytogenetic location: 2p24.3.
Variant type: single nucleotide variant.
Coding change: c.404G>A on transcript NM_015909.4 (MANE Select); coding-DNA position 404, G replaced by A.
Protein change: p.Trp135Ter; replaces tryptophan 135 with a stop codon.
Molecular consequence: nonsense. On other transcripts: non-coding transcript variant (1).
Genome position (GRCh38, 1-based): chr2:15,539,332, C>T on the plus strand (G>A on the coding strand, the complement: NBAS is on the minus strand). VCF-style: chr2-15539332-C-T. GRCh37 (hg19) VCF-style: chr2-15679456-C-T.
Other names: short protein forms W135*.
Identifiers: ClinVar variation 2908852 (VCV002908852.3), dbSNP rs886869251, ClinGen allele CA42650718.